The following is an entry in ClinVar:

ClinVar aggregate classification (germline): Uncertain significance (1 of 4 stars; one submission).

Allele frequency attached by ClinVar (database versions not stated): gnomAD exomes below 0.00001.
gnomAD v4.1: 2 of 1,614,124 alleles (0.00012%); highest among the groups gnomAD compares: African/African-American, 0.0013%; no homozygotes.

Submission:

Labcorp Genetics (formerly Invitae), Labcorp
Classification: Uncertain significance. Last evaluated: 2023-12-06. Review status: criteria provided, single submitter. Criteria: Invitae Variant Classification Sherloc (09022015). Collection method: clinical testing. Allele origin: germline.
Comment: This sequence change replaces isoleucine, which is neutral and non-polar, with valine, which is neutral and non-polar, at codon 248 of the ANK3 protein (p.Ile248Val). This variant is not present in population databases (gnomAD no frequency). This variant has not been reported in the literature in individuals affected with ANK3-related conditions. ClinVar contains an entry for this variant (Variation ID: 1934456). Advanced modeling of protein sequence and biophysical properties (such as structural, functional, and spatial information, amino acid conservation, physicochemical variation, residue mobility, and thermodynamic stability) performed at Invitae indicates that this missense variant is not expected to disrupt ANK3 protein function with a negative predictive value of 80%. In summary, the available evidence is currently insufficient to determine the role of this variant in disease. Therefore, it has been classified as a Variant of Uncertain Significance.

NM_020987.5(ANK3):c.742A>G (p.Ile248Val)

Gene: ANK3 (ankyrin 3; minus strand). Cytogenetic location: 10q21.2.
Variant type: single nucleotide variant.
Coding change: c.742A>G on transcript NM_020987.5 (MANE Select); coding-DNA position 742, A replaced by G.
Protein change: p.Ile248Val; replaces isoleucine 248 with valine.
Molecular consequence: missense variant.
Genome position (GRCh38, 1-based): chr10:60,261,915, T>C on the plus strand (A>G on the coding strand, the complement: ANK3 is on the minus strand). VCF-style: chr10-60261915-T-C. GRCh37 (hg19) VCF-style: chr10-62021673-T-C.
Other names: c.724A>G, p.Ile242Val (NM_001204403.2); c.691A>G, p.Ile231Val (NM_001204404.2); c.742A>G, p.Ile248Val (NM_001320874.2); short protein forms I248V, I242V, I231V.
Identifiers: ClinVar variation 1934456 (VCV001934456.5), dbSNP rs2493712388, ClinGen allele CA376991128.